The following is an entry in ClinVar:

NM_017909.4(RMND1):c.1003-17_1003-16delinsTT

Gene: RMND1 (required for meiotic nuclear division 1 homolog; minus strand). Cytogenetic location: 6q25.1.
Variant type: Indel.
Coding change: c.1003-17_1003-16delinsTT on transcript NM_017909.4 (MANE Select); 17 bases into the intron before coding-DNA position 1003 through 16 bases into the intron before coding-DNA position 1003, GA replaced by TT.
Molecular consequence: intron variant.
Genome position (GRCh38, 1-based): chr6:151,421,337-151,421,338, TC replaced by AA on the plus strand (GA replaced by TT on the coding strand, the reverse complement: RMND1 is on the minus strand). VCF-style: chr6-151421337-TC-AA. GRCh37 (hg19) VCF-style: chr6-151742472-TC-AA.
Other names: c.493-17_493-16delinsTT (NM_001271937.2).
Identifiers: ClinVar variation 1989314 (VCV001989314.4), dbSNP rs2485897089, ClinGen allele CA2580075197.

ClinVar aggregate classification (germline): Uncertain significance (1 of 4 stars; one submission).

Submission:

Labcorp Genetics (formerly Invitae), Labcorp
Classification: Uncertain significance. Last evaluated: 2022-04-16. Review status: criteria provided, single submitter. Criteria: Invitae Variant Classification Sherloc (09022015). Collection method: clinical testing. Allele origin: germline.
Comment: In summary, the available evidence is currently insufficient to determine the role of this variant in disease. Therefore, it has been classified as a Variant of Uncertain Significance. This sequence change falls in intron 8 of the RMND1 gene. It does not directly change the encoded amino acid sequence of the RMND1 protein. Information on the frequency of this variant in the gnomAD database is not available, as this variant may be reported differently in the database. This variant has not been reported in the literature in individuals affected with RMND1-related conditions. Experimental studies and prediction algorithms are not available or were not evaluated, and the effect of this variant on mRNA splicing is currently unknown.